The following is an entry in ClinVar:

NM_001171.6(ABCC6):c.1636-10C>T

Gene: ABCC6 (ATP binding cassette subfamily C member 6; minus strand). Cytogenetic location: 16p13.11.
Variant type: single nucleotide variant.
Coding change: c.1636-10C>T on transcript NM_001171.6 (MANE Select); 10 bases into the intron before coding-DNA position 1636, C replaced by T.
Molecular consequence: intron variant.
Genome position (GRCh38, 1-based): chr16:16,188,984, G>A on the plus strand (C>T on the coding strand, the complement: ABCC6 is on the minus strand). VCF-style: chr16-16188984-G-A. GRCh37 (hg19) VCF-style: chr16-16282841-G-A.
Other names: p.?; c.1294-10C>T (NM_001351800.1).
Identifiers: ClinVar variation 716458 (VCV000716458.14), dbSNP rs61480102, ClinGen allele CA7926218.
Genomic context (GRCh38, chr16:16,188,984, plus strand): 5'-CATAGCATTCTCGGCCACCAGAGTGTGGACAGCAAACACCACCAGTGCGACCTGGGGGGT[G>A]GGGGGGACACGTGGGGCAACAGTGAGACACGCAAGCATGGATAGGGCAGCCTGGGCAAGC-3'

ClinVar aggregate classification (germline): Benign/Likely benign. Review status: criteria provided, multiple submitters, no conflicts (2 of 4 stars). 4 submissions from 4 submitters: Benign (1); Likely benign (3). Last evaluated 2026-01-27.

Conditions:
Autosomal recessive inherited pseudoxanthoma elasticum (PXE). Identifiers: Orphanet 758, MedGen CN032334, MONDO:0009925, OMIM 264800.
Pseudoxanthoma elasticum, forme fruste. Also called: Pseudoxanthoma Elasticum, Incomplete; PSEUDOXANTHOMA ELASTICUM, HETEROZYGOUS. Identifiers: Orphanet 758, MedGen C1867450, MONDO:0008333, OMIM 177850.
Arterial calcification, generalized, of infancy, 2. Identifiers: Orphanet 51608, MedGen C3276161, MONDO:0013768, OMIM 614473.

Allele frequency attached by ClinVar (database versions not stated): gnomAD 0.00317 and 0.00335; TOPMed 0.00327; 1000 Genomes Project 30x 0.00375; ESP Exome Variant Server 0.00392; 1000 Genomes Project 0.00419.
gnomAD v4.1: 1,031 of 1,612,496 alleles (0.064%); highest among the groups gnomAD compares: African/African-American, 1.1%; 6 homozygotes.

Submissions (4):

Labcorp Genetics (formerly Invitae), Labcorp
Classification: Benign. Last evaluated: 2026-01-27. Review status: criteria provided, single submitter. Criteria: Invitae Variant Classification Sherloc (09022015). Collection method: clinical testing. Allele origin: germline.

Mayo Clinic Laboratories, Mayo Clinic
Classification: Likely benign. Last evaluated: 2024-11-29. Review status: criteria provided, single submitter. Criteria: ACMG Guidelines, 2015. Collection method: clinical testing. Allele origin: germline. Observed: 1 variant allele.
Comment: BS1, BP4, BP7

Blueprint Genetics
Classification: Likely benign. Last evaluated: 2024-10-18. Review status: criteria provided, single submitter. Criteria: ACMG Guidelines, 2015. Collection method: clinical testing. Allele origin: germline.

Fulgent Genetics
Classification: Likely benign for Pseudoxanthoma elasticum, forme fruste; Autosomal recessive inherited pseudoxanthoma elasticum; Arterial calcification, generalized, of infancy, 2. Last evaluated: 2021-07-23. Review status: criteria provided, single submitter. Criteria: ACMG Guidelines, 2015. Collection method: clinical testing. Allele origin: unknown.